The following is an entry in ClinVar:

ClinVar aggregate classification (germline): Uncertain significance (1 of 4 stars; one submission).

Conditions:
Pierpont syndrome (PRPTS). Identifiers: Orphanet 487825, MedGen C1865644, MONDO:0011213, OMIM 602342.

Submission:

Labcorp Genetics (formerly Invitae), Labcorp
Classification: Uncertain significance for Pierpont syndrome. Last evaluated: 2024-08-13. Review status: criteria provided, single submitter. Criteria: Invitae Variant Classification Sherloc (09022015). Collection method: clinical testing. Allele origin: germline.
Comment: This sequence change replaces leucine, which is neutral and non-polar, with serine, which is neutral and polar, at codon 387 of the TBL1XR1 protein (p.Leu387Ser). This variant is not present in population databases (gnomAD no frequency). This variant has not been reported in the literature in individuals affected with TBL1XR1-related conditions. ClinVar contains an entry for this variant (Variation ID: 1388662). Advanced modeling of protein sequence and biophysical properties (such as structural, functional, and spatial information, amino acid conservation, physicochemical variation, residue mobility, and thermodynamic stability) performed at Invitae indicates that this missense variant is expected to disrupt TBL1XR1 protein function with a positive predictive value of 95%. In summary, the available evidence is currently insufficient to determine the role of this variant in disease. Therefore, it has been classified as a Variant of Uncertain Significance.

NM_024665.7(TBL1XR1):c.1160T>C (p.Leu387Ser)

Gene: TBL1XR1 (TBL1X/Y related 1; minus strand). Cytogenetic location: 3q26.32.
Variant type: single nucleotide variant.
Coding change: c.1160T>C on transcript NM_024665.7 (MANE Select); coding-DNA position 1160, T replaced by C.
Protein change: p.Leu387Ser; replaces leucine 387 with serine.
Molecular consequence: missense variant.
Genome position (GRCh38, 1-based): chr3:177,034,288, A>G on the plus strand (T>C on the coding strand, the complement: TBL1XR1 is on the minus strand). VCF-style: chr3-177034288-A-G. GRCh37 (hg19) VCF-style: chr3-176752076-A-G.
Other names: c.1160T>C, p.Leu387Ser (NM_001321193.3, NM_001321194.3, NM_001374327.1 and 2 more transcripts); c.899T>C, p.Leu300Ser (NM_001321195.3, NM_001374330.1); short protein forms L300S, L387S.
Identifiers: ClinVar variation 1388662 (VCV001388662.6), dbSNP rs2108414472, ClinGen allele CA355554773.
Genomic context (GRCh38, chr3:177,034,288, plus strand): 5'-TTAGTCCCTGGTCCTGTTGGACTCCATTTGATAGTATAAATTTCTTTATTATGTGCTTGC[A>G]AATCATGGACACAATTGTCTTGTTTCATACTCCATATCTAAACAAAAAAGAAAAATGTAT-3'
Protein context (NP_078941.2, residues 377-397): SMKQDNCVHD[Leu387Ser]QAHNKEIYTI